The following is an entry in ClinVar:

ClinVar aggregate classification (germline): Uncertain significance (1 of 4 stars; one submission).

Conditions:
Kabuki syndrome. Also called: NIIKAWA-KUROKI SYNDROME; Kabuki make-up syndrome. Identifiers: Orphanet 2322, MedGen C0796004, MONDO:0016512.

gnomAD v4.1: 2 of 1,551,458 alleles (0.00013%); highest among the groups gnomAD compares: Non-Finnish European, 0.00017%; no homozygotes.

Submission:

Labcorp Genetics (formerly Invitae), Labcorp
Classification: Uncertain significance for Kabuki syndrome. Last evaluated: 2025-12-20. Review status: criteria provided, single submitter. Criteria: Invitae Variant Classification Sherloc (09022015). Collection method: clinical testing. Allele origin: germline.
Comment: This sequence change replaces glycine, which is neutral and non-polar, with arginine, which is basic and polar, at codon 3885 of the KMT2D protein (p.Gly3885Arg). This variant is not present in population databases (gnomAD no frequency). This variant has not been reported in the literature in individuals affected with KMT2D-related conditions. ClinVar contains an entry for this variant (Variation ID: 3684405). Invitae Evidence Modeling of protein sequence and biophysical properties (such as structural, functional, and spatial information, amino acid conservation, physicochemical variation, residue mobility, and thermodynamic stability) indicates that this missense variant is not expected to disrupt KMT2D protein function with a negative predictive value of 95%. In summary, the available evidence is currently insufficient to determine the role of this variant in disease. Therefore, it has been classified as a Variant of Uncertain Significance.

NM_003482.4(KMT2D):c.11653G>A (p.Gly3885Arg)

Gene: KMT2D (lysine methyltransferase 2D; minus strand). Cytogenetic location: 12q13.12.
Variant type: single nucleotide variant.
Coding change: c.11653G>A on transcript NM_003482.4 (MANE Select); coding-DNA position 11653, G replaced by A.
Protein change: p.Gly3885Arg; replaces glycine 3885 with arginine.
Molecular consequence: missense variant.
Genome position (GRCh38, 1-based): chr12:49,033,052, C>T on the plus strand (G>A on the coding strand, the complement: KMT2D is on the minus strand). VCF-style: chr12-49033052-C-T. GRCh37 (hg19) VCF-style: chr12-49426835-C-T.
Other names: short protein forms G3885R.
Identifiers: ClinVar variation 3684405 (VCV003684405.2).